The following is an entry in ClinVar:

ClinVar aggregate classification (germline): Pathogenic (1 of 4 stars; one submission).

Conditions:
Rienhoff syndrome. Also called: LOEYS-DIETZ SYNDROME 5. Identifiers: MedGen C3810012, MONDO:0014262, OMIM 615582.

Allele frequency attached by ClinVar (database versions not stated): TOPMed below 0.00001.

Submission:

Labcorp Genetics (formerly Invitae), Labcorp
Classification: Pathogenic for Rienhoff syndrome. Last evaluated: 2024-04-02. Review status: criteria provided, single submitter. Criteria: Invitae Variant Classification Sherloc (09022015). Collection method: clinical testing. Allele origin: germline.
Comment: This sequence change creates a premature translational stop signal (p.Gln183*) in the TGFB3 gene. It is expected to result in an absent or disrupted protein product. Loss-of-function variants in TGFB3 are known to be pathogenic (PMID: 25835445, 26188975). This variant is not present in population databases (gnomAD no frequency). This variant has not been reported in the literature in individuals affected with TGFB3-related conditions. For these reasons, this variant has been classified as Pathogenic.

Literature cited by the submitters: PubMed 25835445; PubMed 26188975.

NM_003239.5(TGFB3):c.547C>T (p.Gln183Ter)

Gene: TGFB3 (transforming growth factor beta 3; minus strand). Cytogenetic location: 14q24.3.
Variant type: single nucleotide variant.
Coding change: c.547C>T on transcript NM_003239.5 (MANE Select); coding-DNA position 547, C replaced by T.
Protein change: p.Gln183Ter; replaces glutamine 183 with a stop codon.
Molecular consequence: nonsense.
Genome position (GRCh38, 1-based): chr14:75,971,225, G>A on the plus strand (C>T on the coding strand, the complement: TGFB3 is on the minus strand). VCF-style: chr14-75971225-G-A. GRCh37 (hg19) VCF-style: chr14-76437568-G-A.
Other names: c.547C>T, p.Gln183Ter (NM_001329938.2, NM_001329939.2); short protein forms Q183*.
Identifiers: ClinVar variation 2783914 (VCV002783914.3), dbSNP rs2035287277, ClinGen allele CA390469590.
Genomic context (GRCh38, chr14:75,971,225, plus strand): 5'-CAAAGGACAGCCACTCGGCAGTGCCCCGTGTGGGCAGATTCTTGCCACCGATATAGCGCT[G>A]TTTGGCAATGTGCTCATCTGGCCGAAGGATCTACAGGGCAGAGAAAGGAGTGAGTACCCG-3'